The following is an entry in ClinVar:

ClinVar aggregate classification (germline): Uncertain significance (1 of 4 stars; one submission).

gnomAD v4.1: 7 of 1,614,124 alleles (0.00043%); highest among the groups gnomAD compares: East Asian, 0.0045%; no homozygotes.

Submission:

Dasa
Classification: Uncertain significance. Last evaluated: 2026-05-06. Review status: criteria provided, single submitter. Criteria: DASA Assertion Criteria. Collection method: clinical testing. Allele origin: germline.
Comment: NM_182641.4(BPTF):c.797G>A (p.Arg266His) is a missense variant that results in the substitution of arginine with histidine. This variant is rare in population databases. The currently available literature and clinical evidence are not sufficient to establish a definitive association between this variant and the reported condition. Therefore, this variant is classified as a variant of uncertain significance.

NM_182641.4(BPTF):c.797G>A (p.Arg266His)

Gene: BPTF (bromodomain PHD finger transcription factor; plus strand). Cytogenetic location: 17q24.2.
Variant type: single nucleotide variant.
Coding change: c.797G>A on transcript NM_182641.4 (MANE Select); coding-DNA position 797, G replaced by A.
Protein change: p.Arg266His; replaces arginine 266 with histidine.
Molecular consequence: missense variant.
Genome position (GRCh38, 1-based): chr17:67,854,123, G>A. VCF-style: chr17-67854123-G-A. GRCh37 (hg19) VCF-style: chr17-65850239-G-A.
Other names: c.797G>A, p.Arg266His (NM_001439139.1, NM_001439140.1, NM_001439141.1 and 4 more transcripts); short protein forms R266H.
Identifiers: ClinVar variation 5020613 (VCV005020613.1).